The following is an entry in ClinVar:

NM_021625.5(TRPV4):c.243C>G (p.Asn81Lys)

Gene: TRPV4 (transient receptor potential cation channel subfamily V member 4; minus strand). Cytogenetic location: 12q24.11.
Variant type: single nucleotide variant.
Coding change: c.243C>G on transcript NM_021625.5 (MANE Select); coding-DNA position 243, C replaced by G.
Protein change: p.Asn81Lys; replaces asparagine 81 with lysine.
Molecular consequence: missense variant.
Genome position (GRCh38, 1-based): chr12:109,814,554, G>C on the plus strand (C>G on the coding strand, the complement: TRPV4 is on the minus strand). VCF-style: chr12-109814554-G-C. GRCh37 (hg19) VCF-style: chr12-110252359-G-C.
Other names: c.243C>G, p.Asn81Lys (NM_001177428.2, NM_001177433.2, NM_147204.3); c.141C>G, p.Asn47Lys (NM_001177431.2); short protein forms N47K, N81K.
Identifiers: ClinVar variation 2040324 (VCV002040324.3), dbSNP rs1376551844, ClinGen allele CA386660521.

ClinVar aggregate classification (germline): Uncertain significance (1 of 4 stars; one submission).

Conditions:
Charcot-Marie-Tooth disease axonal type 2C (HMSN2C). Also called: CHARCOT-MARIE-TOOTH DISEASE, AXONAL, AUTOSOMAL DOMINANT, TYPE 2C; Charcot-Marie-Tooth Neuropathy Type 2C; Charcot-Marie-Tooth Disease Type 2, TRPV4-Related (CMT2C). Identifiers: Orphanet 99937, MedGen C1853710, MONDO:0011633, OMIM 606071.

Allele frequency attached by ClinVar (database versions not stated): gnomAD exomes below 0.00001.
gnomAD v4.1: 7 of 1,614,158 alleles (0.00043%); highest among the groups gnomAD compares: Non-Finnish European, 0.00059%; no homozygotes.

Submission:

Labcorp Genetics (formerly Invitae), Labcorp
Classification: Uncertain significance for Charcot-Marie-Tooth disease axonal type 2C. Last evaluated: 2022-01-03. Review status: criteria provided, single submitter. Criteria: Invitae Variant Classification Sherloc (09022015). Collection method: clinical testing. Allele origin: germline.
Comment: In summary, the available evidence is currently insufficient to determine the role of this variant in disease. Therefore, it has been classified as a Variant of Uncertain Significance. Advanced modeling of protein sequence and biophysical properties (such as structural, functional, and spatial information, amino acid conservation, physicochemical variation, residue mobility, and thermodynamic stability) performed at Invitae indicates that this missense variant is not expected to disrupt TRPV4 protein function. This variant has not been reported in the literature in individuals affected with TRPV4-related conditions. This variant is not present in population databases (gnomAD no frequency). This sequence change replaces asparagine, which is neutral and polar, with lysine, which is basic and polar, at codon 81 of the TRPV4 protein (p.Asn81Lys).